The following is an entry in ClinVar:

NM_018685.5(ANLN):c.2057G>A (p.Arg686His)

Gene: ANLN (anillin, actin binding protein; plus strand). Cytogenetic location: 7p14.2.
Variant type: single nucleotide variant.
Coding change: c.2057G>A on transcript NM_018685.5 (MANE Select); coding-DNA position 2057, G replaced by A.
Protein change: p.Arg686His; replaces arginine 686 with histidine.
Molecular consequence: missense variant.
Genome position (GRCh38, 1-based): chr7:36,420,638, G>A. VCF-style: chr7-36420638-G-A. GRCh37 (hg19) VCF-style: chr7-36460247-G-A.
Other names: c.1946G>A, p.Arg649His (NM_001284301.3); c.1943G>A, p.Arg648His (NM_001284302.3); c.2057G>A (NM_018685.4); short protein forms R649H, R686H, R648H.
Identifiers: ClinVar variation 2891918 (VCV002891918.4), dbSNP rs537605178, ClinGen allele CA4219769.

ClinVar aggregate classification (germline): Conflicting classifications of pathogenicity. Review status: criteria provided, conflicting classifications (1 of 4 stars). 2 submissions from 2 submitters: Uncertain significance (1); Likely benign (1). Last evaluated 2025-12-30.

Conditions:
ANLN-related disorder. Also called: ANLN-related condition.

Allele frequency attached by ClinVar (database versions not stated): gnomAD 0.00002; ExAC 0.00006; TOPMed 0.00006.
gnomAD v4.1: 35 of 1,612,892 alleles (0.0022%); highest among the groups gnomAD compares: Admixed American, 0.042%; no homozygotes.

Submissions (2):

Labcorp Genetics (formerly Invitae), Labcorp
Classification: Uncertain significance. Last evaluated: 2025-12-30. Review status: criteria provided, single submitter. Criteria: Invitae Variant Classification Sherloc (09022015). Collection method: clinical testing. Allele origin: germline.
Comment: This sequence change replaces arginine, which is basic and polar, with histidine, which is basic and polar, at codon 686 of the ANLN protein (p.Arg686His). This variant is present in population databases (rs537605178, gnomAD 0.06%), and has an allele count higher than expected for a pathogenic variant. This variant has not been reported in the literature in individuals affected with ANLN-related conditions. ClinVar contains an entry for this variant (Variation ID: 2891918). Invitae Evidence Modeling of protein sequence and biophysical properties (such as structural, functional, and spatial information, amino acid conservation, physicochemical variation, residue mobility, and thermodynamic stability) indicates that this missense variant is expected to disrupt ANLN protein function with a positive predictive value of 80%. In summary, the available evidence is currently insufficient to determine the role of this variant in disease. Therefore, it has been classified as a Variant of Uncertain Significance.

PreventionGenetics, part of Exact Sciences
Classification: Likely benign for ANLN-related condition. Last evaluated: 2025-04-09. Review status: criteria provided, single submitter. Criteria: ACMG Guidelines, 2015. Collection method: clinical testing. Allele origin: germline.
Comment: This variant is classified as likely benign based on ACMG/AMP sequence variant interpretation guidelines (Richards et al. 2015 PMID: 25741868, with internal and published modifications).